The following is an entry in ClinVar:

ClinVar aggregate classification (germline): Likely benign. Review status: criteria provided, multiple submitters, no conflicts (2 of 4 stars). 2 submissions from 2 submitters: Likely benign (2). Last evaluated 2024-07-30.

Conditions:
Dilated cardiomyopathy 1G (CMD1G). Identifiers: Orphanet 154, MedGen C1858763, MONDO:0011400, OMIM 604145.
Autosomal recessive limb-girdle muscular dystrophy type 2J (LGMDR10). Also called: Limb-girdle muscular dystrophy, type 2J; MUSCULAR DYSTROPHY, LIMB-GIRDLE, AUTOSOMAL RECESSIVE 10. Identifiers: Orphanet 140922, MedGen C1837342, MONDO:0012127, OMIM 608807.

Allele frequency attached by ClinVar (database versions not stated): gnomAD exomes 0.00001.
gnomAD v4.1: 8 of 1,614,060 alleles (0.0005%); highest among the groups gnomAD compares: Non-Finnish European, 0.00068%; no homozygotes.

Submissions (2):

Women's Health and Genetics/Laboratory Corporation of America, LabCorp
Classification: Likely benign. Last evaluated: 2024-07-30. Review status: criteria provided, single submitter. Criteria: LabCorp Variant Classification Summary - May 2015. Collection method: clinical testing. Allele origin: germline.
Comment: Variant summary: TTN c.6894A>G alters a non-conserved nucleotide resulting in a synonymous change. Consensus agreement among computation tools predict no significant impact on normal splicing. However, these predictions have yet to be confirmed by functional studies. The variant was absent in 251022 control chromosomes. The available data on variant occurrences in the general population are insufficient to allow any conclusion about variant significance. To our knowledge, no occurrence of c.6894A>G in individuals affected with Limb-Girdle Muscular Dystrophy, Type 2J and no experimental evidence demonstrating its impact on protein function have been reported. ClinVar contains an entry for this variant (Variation ID: 2951109). Based on the evidence outlined above, the variant was classified as likely benign.

Labcorp Genetics (formerly Invitae), Labcorp
Classification: Likely benign for Dilated cardiomyopathy 1G; Autosomal recessive limb-girdle muscular dystrophy type 2J. Last evaluated: 2023-11-14. Review status: criteria provided, single submitter. Criteria: Invitae Variant Classification Sherloc (09022015). Collection method: clinical testing. Allele origin: germline.

NM_001267550.2(TTN):c.6894A>G (p.Lys2298=)

Genes: TTN (titin; minus strand), LOC126806433 (BRD4-independent group 4 enhancer GRCh37_chr2:179638309-179639508; plus strand). Cytogenetic location: 2q31.2.
Variant type: single nucleotide variant.
Coding change: c.6894A>G on transcript NM_001267550.2 (MANE Select); coding-DNA position 6894, A replaced by G.
Protein change: p.Lys2298=; no amino-acid change (lysine 2298 retained).
Molecular consequence: synonymous variant.
Genome position (GRCh38, 1-based): chr2:178,774,370, T>C on the plus strand (A>G on the coding strand, the complement: TTN is on the minus strand). VCF-style: chr2-178774370-T-C. GRCh37 (hg19) VCF-style: chr2-179639097-T-C.
Other names: c.6894A>G, p.Lys2298= (NM_001256850.1, NM_133378.4, NM_133379.5); c.6756A>G, p.Lys2252= (NM_003319.4, NM_133432.3, NM_133437.4).
Identifiers: ClinVar variation 2951109 (VCV002951109.4), dbSNP rs2532730087, ClinGen allele CA430300161.